The following is an entry in ClinVar:

NM_006254.4(PRKCD):c.646C>T (p.Arg216Trp)

Gene: PRKCD (protein kinase C delta; plus strand). Cytogenetic location: 3p21.1.
Variant type: single nucleotide variant.
Coding change: c.646C>T on transcript NM_006254.4 (MANE Select); coding-DNA position 646, C replaced by T.
Protein change: p.Arg216Trp; replaces arginine 216 with tryptophan.
Molecular consequence: missense variant.
Genome position (GRCh38, 1-based): chr3:53,183,195, C>T. VCF-style: chr3-53183195-C-T. GRCh37 (hg19) VCF-style: chr3-53217211-C-T.
Other names: c.646C>T, p.Arg216Trp (NM_001316327.2, NM_001354679.2, NM_001354680.2 and 1 more transcripts); c.703C>T, p.Arg235Trp (NM_001354676.2); c.694C>T, p.Arg232Trp (NM_001354678.2); short protein forms R216W, R232W, R235W.
Identifiers: ClinVar variation 1501055 (VCV001501055.6), dbSNP rs782269447, ClinGen allele CA2451904.
Genomic context (GRCh38, chr3:53,183,195, plus strand): 5'-ATCCACAAGAAATGCATCGACAAGATCATCGGCAGATGCACTGGCACCGCGGCCAACAGC[C>T]GGGACACTATAGTGAGCCTGGGTCCGGGGCAGGGCTGGGGATCTGGGGGGCTTGGCCAGA-3'
Protein context (NP_006245.2, residues 206-226): GRCTGTAANS[Arg216Trp]DTIFQKERFN

ClinVar aggregate classification (germline): Uncertain significance (1 of 4 stars; one submission).

Conditions:
Autoimmune lymphoproliferative syndrome, type III caused by mutation in PRKCD. Identifiers: Orphanet 3261, Orphanet 664711, MedGen C3809928, MONDO:8000024, OMIM 615559.

Allele frequency attached by ClinVar (database versions not stated): gnomAD exomes below 0.00001; ExAC 0.00001.

Submission:

Labcorp Genetics (formerly Invitae), Labcorp
Classification: Uncertain significance for Autoimmune lymphoproliferative syndrome, type III caused by mutation in PRKCD. Last evaluated: 2021-01-08. Review status: criteria provided, single submitter. Criteria: Invitae Variant Classification Sherloc (09022015). Collection method: clinical testing. Allele origin: germline.
Comment: In summary, the available evidence is currently insufficient to determine the role of this variant in disease. Therefore, it has been classified as a Variant of Uncertain Significance. Algorithms developed to predict the effect of missense changes on protein structure and function (SIFT, PolyPhen-2, Align-GVGD) all suggest that this variant is likely to be disruptive, but these predictions have not been confirmed by published functional studies and their clinical significance is uncertain. This variant has not been reported in the literature in individuals with PRKCD-related conditions. This variant is present in population databases (rs782269447, ExAC 0.006%). This sequence change replaces arginine with tryptophan at codon 216 of the PRKCD protein (p.Arg216Trp). The arginine residue is highly conserved and there is a moderate physicochemical difference between arginine and tryptophan.